The following is an entry in ClinVar:

NM_001481.3(DRC4):c.1199C>T (p.Thr400Met)

Gene: DRC4 (dynein regulatory complex subunit 4; plus strand). Cytogenetic location: 16q24.3.
Variant type: single nucleotide variant.
Coding change: c.1199C>T on transcript NM_001481.3 (MANE Select); coding-DNA position 1199, C replaced by T.
Protein change: p.Thr400Met; replaces threonine 400 with methionine.
Molecular consequence: missense variant.
Genome position (GRCh38, 1-based): chr16:90,040,487, C>T. VCF-style: chr16-90040487-C-T. GRCh37 (hg19) VCF-style: chr16-90106895-C-T.
Other names: c.950C>T, p.Thr317Met (NM_001286205.2); c.623C>T, p.Thr208Met (NM_001286208.2); c.1124C>T, p.Thr375Met (NM_001286209.2); short protein forms T208M, T317M, T400M, T375M.
Identifiers: ClinVar variation 2150734 (VCV002150734.1), dbSNP rs765671895, ClinGen allele CA8258129.

ClinVar aggregate classification (germline): Uncertain significance (1 of 4 stars; one submission).

Conditions:
Primary ciliary dyskinesia 33. Also called: CILIARY DYSKINESIA, PRIMARY, 33, WITHOUT SITUS INVERSUS. Identifiers: Orphanet 244, MedGen C4225230, MONDO:0014750, OMIM 616726.

Allele frequency attached by ClinVar (database versions not stated): gnomAD 0.00001; gnomAD exomes 0.00001; TOPMed 0.00002; ExAC 0.00004.
gnomAD v4.1: 23 of 1,604,572 alleles (0.0014%); highest among the groups gnomAD compares: Middle Eastern, 0.021%; no homozygotes.

Submission:

Labcorp Genetics (formerly Invitae), Labcorp
Classification: Uncertain significance for Primary ciliary dyskinesia 33. Last evaluated: 2022-06-11. Review status: criteria provided, single submitter. Criteria: Invitae Variant Classification Sherloc (09022015). Collection method: clinical testing. Allele origin: germline.
Comment: This sequence change replaces threonine, which is neutral and polar, with methionine, which is neutral and non-polar, at codon 400 of the GAS8 protein (p.Thr400Met). This variant is present in population databases (rs765671895, gnomAD 0.006%). This variant has not been reported in the literature in individuals affected with GAS8-related conditions. Algorithms developed to predict the effect of missense changes on protein structure and function are either unavailable or do not agree on the potential impact of this missense change (SIFT: "Deleterious"; PolyPhen-2: "Benign"; Align-GVGD: "Class C0"). In summary, the available evidence is currently insufficient to determine the role of this variant in disease. Therefore, it has been classified as a Variant of Uncertain Significance.